The following is an entry in ClinVar:

ClinVar aggregate classification (germline): Likely benign. Review status: reviewed by expert panel (3 of 4 stars). 2 submissions from 2 submitters: Likely benign (1). 1 of the submissions does not count toward it. Last evaluated 2025-01-15.

Conditions:
Hereditary thrombocytopenia and hematologic cancer predisposition syndrome. Identifiers: Orphanet 71290, MedGen CN281654, MONDO:0011071.
Hereditary thrombocytopenia and hematological cancer predisposition syndrome associated with RUNX1. Also called: RUNX1 Familial Platelet Disorder with Associated Myeloid Malignancies; Familial Platelet Disorder with Propensity to Acute Myelogenous Leukemia; Familial thrombocytopenia with propensity to acute myelogenous leukemia; PLATELET DISORDER, ASPIRIN-LIKE. Identifiers: Orphanet 71290, MedGen C1832388, MeSH C563324, MONDO:0100083, OMIM 601399.

Allele frequency attached by ClinVar (database versions not stated): TOPMed 0.00001.

Submissions (2):

ClinGen Myeloid Malignancy Variant Curation Expert Panel
Classification: Likely benign for Hereditary thrombocytopenia and hematologic cancer predisposition syndrome. Last evaluated: 2025-01-15. Review status: reviewed by expert panel. Criteria: ClinGen MyeloMalig ACMG Specifications v2. Collection method: curation. Allele origin: germline. Inheritance: Autosomal dominant inheritance.
Comment: NM_001754.5(RUNX1):c.614-18C>G is an intronic variant which has a SpliceAI score ≤ 0.20 (0.01) (BP4). Evolutionary conservation algorithms predict the site as not being conserved (PhyloP score ≤ 2.0 (0.16)) (BP7). This variant is completely absent from all population databases with at least 20x coverage for RUNX1 (PM2_supporting). In summary, this variant meets criteria to be classified as likely benign. ACMG/AMP criteria applied, as specified by the Myeloid Malignancy Variant Curation Expert Panel for RUNX1: BP4, BP7, PM2_supporting.

Labcorp Genetics (formerly Invitae), Labcorp
Classification: Likely benign for Hereditary thrombocytopenia and hematological cancer predisposition syndrome associated with RUNX1. Last evaluated: 2024-10-29. Review status: criteria provided, single submitter. Criteria: Invitae Variant Classification Sherloc (09022015). Collection method: clinical testing. Allele origin: germline. Not counted in ClinVar's aggregate classification.

NM_001754.5(RUNX1):c.614-18C>G

Gene: RUNX1 (RUNX family transcription factor 1; minus strand). Cytogenetic location: 21q22.12.
Variant type: single nucleotide variant.
Coding change: c.614-18C>G on transcript NM_001754.5 (MANE Select); 18 bases into the intron before coding-DNA position 614, C replaced by G.
Molecular consequence: intron variant.
Genome position (GRCh38, 1-based): chr21:34,834,619, G>C on the plus strand (C>G on the coding strand, the complement: RUNX1 is on the minus strand). VCF-style: chr21-34834619-G-C. GRCh37 (hg19) VCF-style: chr21-36206916-G-C.
Other names: c.533-18C>G (NM_001001890.3, NM_001122607.2).
Identifiers: ClinVar variation 1587091 (VCV001587091.9), dbSNP rs1261174356, ClinGen allele CA2387272459.